The following is an entry in ClinVar:

ClinVar aggregate classification (germline): Uncertain significance (1 of 4 stars; one submission).

Conditions:
Hereditary cancer-predisposing syndrome. Also called: Tumor predisposition; Neoplastic Syndromes, Hereditary; Hereditary neoplastic syndrome; Hereditary Cancer Syndrome. Identifiers: Orphanet 140162, MedGen C0027672, MeSH D009386, MONDO:0015356.

Allele frequency attached by ClinVar (database versions not stated): gnomAD exomes below 0.00001.
gnomAD v4.1: 1 of 1,613,728 alleles (0.000062%); highest among the groups gnomAD compares: East Asian, 0.0022%; no homozygotes.

Submission:

Color Diagnostics, LLC DBA Color Health
Classification: Uncertain significance for Hereditary cancer-predisposing syndrome. Last evaluated: 2023-12-05. Review status: criteria provided, single submitter. Criteria: ACMG Guidelines, 2015. Collection method: clinical testing. Allele origin: germline.
Comment: This missense variant replaces cysteine with tryptophan at codon 103 of the BAP1 protein. Computational prediction is inconclusive regarding the impact of this variant on protein structure and function (internally defined REVEL score threshold 0.5 < inconclusive < 0.7, PMID: 27666373). To our knowledge, functional studies have not been reported for this variant. This variant has not been reported in individuals affected with BAP1-related disorders in the literature. This variant has been identified in 1/250478 chromosomes in the general population by the Genome Aggregation Database (gnomAD). The available evidence is insufficient to determine the role of this variant in disease conclusively. Therefore, this variant is classified as a Variant of Uncertain Significance.

NM_004656.4(BAP1):c.309C>G (p.Cys103Trp)

Gene: BAP1 (BRCA1 associated deubiquitinase 1; minus strand). Cytogenetic location: 3p21.1.
Variant type: single nucleotide variant.
Coding change: c.309C>G on transcript NM_004656.4 (MANE Select); coding-DNA position 309, C replaced by G.
Protein change: p.Cys103Trp; replaces cysteine 103 with tryptophan.
Molecular consequence: missense variant.
Genome position (GRCh38, 1-based): chr3:52,408,024, G>C on the plus strand (C>G on the coding strand, the complement: BAP1 is on the minus strand). VCF-style: chr3-52408024-G-C. GRCh37 (hg19) VCF-style: chr3-52442040-G-C.
Other names: short protein forms C103W.
Identifiers: ClinVar variation 631002 (VCV000631002.5), dbSNP rs1379702681, ClinGen allele CA353112295.